The following is an entry in ClinVar:

ClinVar aggregate classification (germline): Conflicting classifications of pathogenicity. Review status: criteria provided, conflicting classifications (1 of 4 stars). 7 submissions from 7 submitters: Uncertain significance (5); Benign (1); Likely benign (1). Last evaluated 2025-11-13.

Conditions:
Familial medullary thyroid carcinoma (MTC). Also called: Familial Medullary Thyroid Carcinoma (FMTC); Thyroid cancer, familial medullary; MTC, familial. Identifiers: Orphanet 653, Orphanet 99361, MedGen C1833921, MONDO:0007958, OMIM 155240.
Pheochromocytoma. Also called: MAX-Related Hereditary Paraganglioma-Pheochromocytoma Syndrome. Identifiers: Orphanet 29072, MedGen C0031511, MONDO:0008233, OMIM 171300, HP:0002666.
Multiple endocrine neoplasia type 2A. Also called: Multiple Endocrine Neoplasia Type 2A (MEN2A); MULTIPLE ENDOCRINE NEOPLASIA, TYPE IIA; PTC SYNDROME; SIPPLE SYNDROME; MEN 2A; MEN-2A syndrome. Identifiers: Orphanet 247698, Orphanet 653, MedGen C0025268, MeSH D018813, MONDO:0008234, OMIM 171400.
Hirschsprung disease, susceptibility to, 1 (HSCR1). Also called: RET-Related Hirschsprung Disease. Identifiers: Orphanet 388, MedGen C3888239, MONDO:0007723, OMIM 142623.
Multiple endocrine neoplasia type 2B. Also called: WAGENMANN-FROBOESE SYNDROME; MULTIPLE ENDOCRINE NEOPLASIA, TYPE III; MUCOSAL NEUROMA SYNDROME; Multiple Endocrine Neoplasia Type 2B (MEN2B); Multiple endocrine neoplasia, type 3; MULTIPLE ENDOCRINE NEOPLASIA, TYPE IIB. Identifiers: Orphanet 247709, Orphanet 653, MedGen C0025269, MeSH D018814, MONDO:0008082, OMIM 162300.
Hereditary cancer-predisposing syndrome. Also called: Hereditary Cancer Syndrome; Hereditary neoplastic syndrome; Tumor predisposition; Neoplastic Syndromes, Hereditary. Identifiers: Orphanet 140162, MedGen C0027672, MeSH D009386, MONDO:0015356.
Multiple endocrine neoplasia, type 2 (MEN2). Identifiers: Orphanet 653, MedGen C4048306, MONDO:0019003. Disease mechanism: gain of function.

Allele frequency attached by ClinVar (database versions not stated): TOPMed 0.00002; gnomAD exomes 0.00004 and 0.00002; ExAC 0.00006.

Submissions (7):

Labcorp Genetics (formerly Invitae), Labcorp
Classification: Uncertain significance for Multiple endocrine neoplasia, type 2. Last evaluated: 2025-11-13. Review status: criteria provided, single submitter. Criteria: Invitae Variant Classification Sherloc (09022015). Collection method: clinical testing. Allele origin: germline.
Comment: This sequence change replaces alanine, which is neutral and non-polar, with threonine, which is neutral and polar, at codon 764 of the RET protein (p.Ala764Thr). This variant is present in population databases (rs748799148, gnomAD 0.007%). This missense change has been observed in individual(s) with hyperparathyroidism (PMID: 37449924). ClinVar contains an entry for this variant (Variation ID: 486317). An algorithm developed to predict the effect of missense changes on protein structure and function (PolyPhen-2) suggests that this variant is likely to be disruptive. In summary, the available evidence is currently insufficient to determine the role of this variant in disease. Therefore, it has been classified as a Variant of Uncertain Significance.

Quest Diagnostics Nichols Institute San Juan Capistrano
Classification: Uncertain significance. Last evaluated: 2025-09-05. Review status: criteria provided, single submitter. Criteria: Quest Diagnostics criteria. Collection method: clinical testing. Allele origin: unknown.

Myriad Genetics, Inc.
Classification: Likely benign for Multiple endocrine neoplasia type 2A. Last evaluated: 2025-02-26. Review status: criteria provided, single submitter. Criteria: Myriad Autosomal Dominant, Autosomal Recessive and X-Linked Classification Criteria (2023). Collection method: clinical testing. Allele origin: unknown.
Comment: This variant is considered likely benign. This variant has been observed at a population frequency that is significantly greater than expected given the associated disease prevalence and penetrance.

GeneDx
Classification: Uncertain significance. Last evaluated: 2024-03-07. Review status: criteria provided, single submitter. Criteria: GeneDx Variant Classification Process June 2021. Collection method: clinical testing. Allele origin: germline. Affected: yes.
Comment: In silico analysis supports that this missense variant has a deleterious effect on protein structure/function; Observed in an individual with breast cancer (PMID: 36200007); This variant is associated with the following publications: (PMID: 30972172, 14633923, 36200007)

All of Us Research Program, National Institutes of Health
Classification: Uncertain significance for Multiple endocrine neoplasia, type 2. Last evaluated: 2023-12-01. Review status: criteria provided, single submitter. Criteria: ACMG Guidelines, 2015. Collection method: clinical testing. Allele origin: germline. Inheritance: Autosomal dominant inheritance. Observed: 7 variant alleles, 7 heterozygotes.
Comment: This missense variant replaces alanine with threonine at codon 764 of the RET protein. Computational prediction is inconclusive regarding the impact of this variant on protein structure and function (internally defined REVEL score threshold 0.5 < inconclusive < 0.7, PMID: 27666373). To our knowledge, functional studies have not been reported for this variant. This variant has not been reported in individuals affected with RET-related disorders in the literature. This variant has been identified in 9/251010 chromosomes in the general population by the Genome Aggregation Database (gnomAD). The available evidence is insufficient to determine the role of this variant in disease conclusively. Therefore, this variant is classified as a Variant of Uncertain Significance.

This study involves interpretation of variants in research participants for the purpose of population health screening. Participant phenotype was not available at the time of variant classification. Additional details can be found in publication PMID: 35346344, PMCID: PMC8962531

Ambry Genetics
Classification: Benign for Hereditary cancer-predisposing syndrome. Last evaluated: 2023-01-26. Review status: criteria provided, single submitter. Criteria: Ambry Variant Classification Scheme 2023. Collection method: clinical testing. Allele origin: germline.

Fulgent Genetics
Classification: Uncertain significance for Hirschsprung disease, susceptibility to, 1; Familial medullary thyroid carcinoma; Multiple endocrine neoplasia type 2B; Pheochromocytoma; Multiple endocrine neoplasia type 2A. Last evaluated: 2022-01-12. Review status: criteria provided, single submitter. Criteria: ACMG Guidelines, 2015. Collection method: clinical testing. Allele origin: unknown.

Literature cited by the submitters: PubMed 37449924 (cited by Labcorp Genetics (formerly Invitae), Labcorp).

NM_020975.6(RET):c.2290G>A (p.Ala764Thr)

Gene: RET (ret proto-oncogene; plus strand). Cytogenetic location: 10q11.21.
Variant type: single nucleotide variant.
Coding change: c.2290G>A on transcript NM_020975.6 (MANE Select); coding-DNA position 2290, G replaced by A.
Protein change: p.Ala764Thr; replaces alanine 764 with threonine.
Molecular consequence: missense variant.
Genome position (GRCh38, 1-based): chr10:43,118,378, G>A. VCF-style: chr10-43118378-G-A. GRCh37 (hg19) VCF-style: chr10-43613826-G-A.
Other names: c.2290G>A, p.Ala764Thr (NM_000323.2, NM_001406743.1, NM_001406744.1 and 4 more transcripts); c.1528G>A, p.Ala510Thr (NM_001355216.2); c.2161G>A, p.Ala721Thr (NM_001406761.1, NM_001406762.1, NM_001406764.1); c.2155G>A, p.Ala719Thr (NM_001406763.1, NM_001406765.1); c.2002G>A, p.Ala668Thr (NM_001406766.1, NM_001406767.1, NM_001406770.1); c.2026G>A, p.Ala676Thr (NM_001406768.1); c.1393G>A, p.Ala465Thr (NM_001406779.1, NM_001406780.1, NM_001406781.1 and 1 more transcripts); c.1264G>A, p.Ala422Thr (NM_001406783.1, NM_001406786.1); and 10 more; short protein forms A764T, A510T, A369T, A422T, A425T, A589T, A618T, A668T.
Identifiers: ClinVar variation 486317 (VCV000486317.20), dbSNP rs748799148, ClinGen allele CA038434.